The following continues an entry in ClinVar:

NM_002834.5(PTPN11):c.218C>T (p.Thr73Ile)

Gene: PTPN11. ClinVar aggregate classification (germline): Pathogenic. Pathogenic (23). ClinVar aggregate classification (oncogenicity): Uncertain significance.

Submissions 29 to 30 of 30:

Institute of Molecular Pathology and Immunology of the University of Porto (IPATIMUP)
No classification provided. Condition: Noonan syndrome 1. Review status: no classification provided. Collection method: not provided. Allele origin: germline. Not counted in ClinVar's aggregate classification.

Joint Genome Diagnostic Labs from Nijmegen and Maastricht, Radboudumc and MUMC+
Classification: Pathogenic. Review status: no assertion criteria provided. Collection method: clinical testing. Allele origin: germline. Affected: yes. Study: VKGL Data-share Consensus. Not counted in ClinVar's aggregate classification.

Literature cited by the submitters: PubMed 12717436 (cited by 4 submitters); PubMed 16358218 (cited by 5 submitters); PubMed 11992261 (cited by 5 submitters); PubMed 14644997 (cited by 3 submitters); PubMed 15240615 (cited by Labcorp Genetics (formerly Invitae), Labcorp and Laboratory for Molecular Medicine, Mass General Brigham Personalized Medicine); PubMed 15928039 (cited by 3 submitters); PubMed 17020470 (cited by 3 submitters); PubMed 17339163 (cited by 3 submitters); PubMed 20383758 (cited by 3 submitters); PubMed 23446178 (cited by Labcorp Genetics (formerly Invitae), Labcorp and 3billion); PubMed 23832011 (cited by Labcorp Genetics (formerly Invitae), Labcorp); PubMed 15987685 (cited by 3 submitters); PubMed 24718990 (cited by 3 submitters); PubMed 32164556 (cited by Variantyx, Inc.); PubMed 29493581 (cited by Variantyx, Inc. and 3billion); PubMed 26286251 (cited by Institute of Medical Genetics and Genomics, Sir Ganga Ram Hospital); PubMed 22465605 (cited by 3billion); PubMed 25097206 (cited by 3billion and Laboratory for Molecular Medicine, Mass General Brigham Personalized Medicine); PubMed 15723289 (cited by 3 submitters); PubMed 15385933 (cited by Women's Health and Genetics/Laboratory Corporation of America, LabCorp and Laboratory for Molecular Medicine, Mass General Brigham Personalized Medicine); PubMed 14676626 (cited by Women's Health and Genetics/Laboratory Corporation of America, LabCorp); PubMed 15948193 (cited by Women's Health and Genetics/Laboratory Corporation of America, LabCorp); PubMed 15539800 (cited by Women's Health and Genetics/Laboratory Corporation of America, LabCorp); PubMed 17222357 (cited by Women's Health and Genetics/Laboratory Corporation of America, LabCorp); PubMed 17227708 (cited by Women's Health and Genetics/Laboratory Corporation of America, LabCorp); PubMed 16377799 (cited by Women's Health and Genetics/Laboratory Corporation of America, LabCorp); PubMed 17546245 (cited by Women's Health and Genetics/Laboratory Corporation of America, LabCorp); PubMed 17910045 (cited by Women's Health and Genetics/Laboratory Corporation of America, LabCorp and Laboratory for Molecular Medicine, Mass General Brigham Personalized Medicine); PubMed 18454468 (cited by Women's Health and Genetics/Laboratory Corporation of America, LabCorp); PubMed 18331608 (cited by Women's Health and Genetics/Laboratory Corporation of America, LabCorp and Laboratory for Molecular Medicine, Mass General Brigham Personalized Medicine); PubMed 19063751 (cited by Women's Health and Genetics/Laboratory Corporation of America, LabCorp); PubMed 12161469 (cited by 4 submitters); PubMed 15725481 (cited by Women's Health and Genetics/Laboratory Corporation of America, LabCorp); PubMed 15842656 (cited by Laboratory for Molecular Medicine, Mass General Brigham Personalized Medicine); PubMed 20237506 (cited by Laboratory for Molecular Medicine, Mass General Brigham Personalized Medicine); PubMed 17972951 (cited by Laboratory for Molecular Medicine, Mass General Brigham Personalized Medicine); PubMed 15009076 (cited by Laboratory for Molecular Medicine, Mass General Brigham Personalized Medicine); PubMed 16115145 (cited by Laboratory for Molecular Medicine, Mass General Brigham Personalized Medicine); PubMed 15834506 (cited by Ambry Genetics).